The following is an entry in ClinVar:

ClinVar aggregate classification (germline): Uncertain significance. Review status: criteria provided, multiple submitters, no conflicts (2 of 4 stars). 2 submissions from 2 submitters: Uncertain significance (2). Last evaluated 2026-01-13.

Submissions (2):

GeneDx
Classification: Uncertain significance. Last evaluated: 2026-01-13. Review status: criteria provided, single submitter. Criteria: GeneDx Variant Classification Process June 2021. Collection method: clinical testing. Allele origin: germline.
Comment: Not observed at significant frequency in large population cohorts (gnomAD); In silico analysis supports that this missense variant has a deleterious effect on protein structure/function; Has not been previously published as pathogenic or benign to our knowledge

Labcorp Genetics (formerly Invitae), Labcorp
Classification: Uncertain significance. Last evaluated: 2022-05-06. Review status: criteria provided, single submitter. Criteria: Invitae Variant Classification Sherloc (09022015). Collection method: clinical testing. Allele origin: germline.
Comment: This sequence change replaces serine, which is neutral and polar, with tyrosine, which is neutral and polar, at codon 182 of the CAMK2B protein (p.Ser182Tyr). This variant is not present in population databases (gnomAD no frequency). In summary, the available evidence is currently insufficient to determine the role of this variant in disease. Therefore, it has been classified as a Variant of Uncertain Significance. Algorithms developed to predict the effect of missense changes on protein structure and function (SIFT, PolyPhen-2, Align-GVGD) all suggest that this variant is likely to be disruptive. This variant has not been reported in the literature in individuals affected with CAMK2B-related conditions.

NM_001220.5(CAMK2B):c.545C>A (p.Ser182Tyr)

Gene: CAMK2B (calcium/calmodulin dependent protein kinase II beta; minus strand). Cytogenetic location: 7p13.
Variant type: single nucleotide variant.
Coding change: c.545C>A on transcript NM_001220.5 (MANE Select); coding-DNA position 545, C replaced by A.
Protein change: p.Ser182Tyr; replaces serine 182 with tyrosine.
Molecular consequence: missense variant.
Genome position (GRCh38, 1-based): chr7:44,243,306, G>T on the plus strand (C>A on the coding strand, the complement: CAMK2B is on the minus strand). VCF-style: chr7-44243306-G-T. GRCh37 (hg19) VCF-style: chr7-44282905-G-T.
Other names: c.545C>A, p.Ser182Tyr (NM_001293170.2, NM_172078.3, NM_172079.3 and 5 more transcripts); c.545C>A (NM_001220.4); short protein forms S182Y.
Identifiers: ClinVar variation 2116674 (VCV002116674.6), dbSNP rs2486087646, ClinGen allele CA367365767.